The following is an entry in ClinVar:

ClinVar aggregate classification (germline): Pathogenic (1 of 4 stars; one submission).

Conditions:
Familial cancer of breast. Also called: Hereditary breast cancer; BREAST CANCER, FAMILIAL; hereditary breast carcinoma. Identifiers: Orphanet 227535, MedGen C0346153, MONDO:0016419, OMIM 114480. Disease mechanism: loss of function.

Submission:

MVZ Praenatalmedizin und Genetik Nuernberg
Classification: Pathogenic for Familial cancer of breast. Last evaluated: 2022-06-30. Review status: criteria provided, single submitter. Criteria: ACMG Guidelines, 2015. Collection method: clinical testing. Allele origin: germline. Affected: yes.
Comment: It has not yet been described in the ClinVar and gnomAD databases. This one-nukleotide-deletion leads to a shift in the reading frame and a premature stop codon and is therefore considered pathogenic. Two other deleterious mutations in close proximity (including downstream of this one) with an identical stop codon are classified as pathogenic or likely pathogenic in ClinVar.

NM_032043.3(BRIP1):c.3001del (p.Ser1001fs)

Gene: BRIP1 (BRCA1 interacting DNA helicase 1; minus strand). Cytogenetic location: 17q23.2.
Variant type: Deletion.
Coding change: c.3001del on transcript NM_032043.3 (MANE Select); coding-DNA position 3001, one base deleted (A; older notation c.3001delA).
Protein change: p.Ser1001fs; shifts the reading frame from serine 1001.
Molecular consequence: frameshift variant.
Genome position (GRCh38, 1-based): chr17:61,684,045, T deleted on the plus strand (A on the coding strand, the reverse complement: BRIP1 is on the minus strand). VCF-style (leftmost placement, unchanged base first): chr17-61684044-CT-C. GRCh37 (hg19) VCF-style: chr17-59761405-CT-C.
Other names: short protein forms S1001fs.
Identifiers: ClinVar variation 4813432 (VCV004813432.1).